The following is an entry in ClinVar:

ClinVar aggregate classification (germline): Uncertain significance. Review status: criteria provided, multiple submitters, no conflicts (2 of 4 stars). 2 submissions from 2 submitters: Uncertain significance (2). Last evaluated 2025-01-29.

Allele frequency attached by ClinVar (database versions not stated): ExAC 0.00002; TOPMed 0.00002; gnomAD 0.00003.
gnomAD v4.1: 23 of 1,614,052 alleles (0.0014%); highest among the groups gnomAD compares: Non-Finnish European, 0.0019%; no homozygotes.

Submissions (2):

Labcorp Genetics (formerly Invitae), Labcorp
Classification: Uncertain significance. Last evaluated: 2025-01-29. Review status: criteria provided, single submitter. Criteria: Invitae Variant Classification Sherloc (09022015). Collection method: clinical testing. Allele origin: germline.
Comment: This sequence change replaces isoleucine, which is neutral and non-polar, with phenylalanine, which is neutral and non-polar, at codon 1543 of the FAT2 protein (p.Ile1543Phe). This variant is present in population databases (rs765918108, gnomAD 0.004%). This variant has not been reported in the literature in individuals affected with FAT2-related conditions. ClinVar contains an entry for this variant (Variation ID: 2576007). An algorithm developed to predict the effect of missense changes on protein structure and function (PolyPhen-2) suggests that this variant is likely to be disruptive. In summary, the available evidence is currently insufficient to determine the role of this variant in disease. Therefore, it has been classified as a Variant of Uncertain Significance.

Institute for Clinical Genetics, University Hospital TU Dresden, University Hospital TU Dresden
Classification: Uncertain significance. Last evaluated: 2022-12-07. Review status: criteria provided, single submitter. Criteria: ACMG Guidelines, 2015. Collection method: clinical testing. Allele origin: germline.
Comment: PM2_SUP

NM_001447.3(FAT2):c.4627A>T (p.Ile1543Phe)

Genes: FAT2 (FAT atypical cadherin 2; minus strand), SLC36A1 (solute carrier family 36 member 1; plus strand). Cytogenetic location: 5q33.1.
Variant type: single nucleotide variant.
Coding change: c.4627A>T on transcript NM_001447.3 (MANE Select); coding-DNA position 4627, A replaced by T.
Protein change: p.Ile1543Phe; replaces isoleucine 1543 with phenylalanine.
Molecular consequence: missense variant.
Genome position (GRCh38, 1-based): chr5:151,549,457, T>A on the plus strand (A>T on the coding strand, the complement: FAT2 is on the minus strand). VCF-style: chr5-151549457-T-A. GRCh37 (hg19) VCF-style: chr5-150929018-T-A.
Other names: short protein forms I1543F.
Identifiers: ClinVar variation 2576007 (VCV002576007.4), dbSNP rs765918108, ClinGen allele CA3521494.